The following is an entry in ClinVar:

NM_000528.4(MAN2B1):c.1419+5G>T

Genes: MAN2B1 (mannosidase alpha class 2B member 1; minus strand), LOC129391064 (MPRA-validated peak3365 silencer; plus strand). Cytogenetic location: 19p13.13.
Variant type: single nucleotide variant.
Coding change: c.1419+5G>T on transcript NM_000528.4 (MANE Select); 5 bases into the intron after coding-DNA position 1419, G replaced by T.
Molecular consequence: intron variant.
Genome position (GRCh38, 1-based): chr19:12,657,441, C>A on the plus strand (G>T on the coding strand, the complement: MAN2B1 is on the minus strand). VCF-style: chr19-12657441-C-A. GRCh37 (hg19) VCF-style: chr19-12768255-C-A.
Other names: c.1416+5G>T (NM_001173498.2).
Identifiers: ClinVar variation 892388 (VCV000892388.6), dbSNP rs540367946, ClinGen allele CA9226470.

ClinVar aggregate classification (germline): Uncertain significance. Review status: criteria provided, multiple submitters, no conflicts (2 of 4 stars). 3 submissions from 3 submitters: Uncertain significance (3). Last evaluated 2026-04-14.

Conditions:
Deficiency of alpha-mannosidase (MANSA). Also called: LYSOSOMAL ALPHA-D-MANNOSIDASE DEFICIENCY; Alpha-Mannosidosis; Mannosidosis, alpha-, types I and II. Identifiers: Orphanet 61, MedGen C0024748, MONDO:0009561, OMIM 248500.

Allele frequency attached by ClinVar (database versions not stated): TOPMed 0.00003.
gnomAD v4.1: 212 of 1,548,578 alleles (0.014%); highest among the groups gnomAD compares: Non-Finnish European, 0.017%; no homozygotes.

Submissions (3):

Women's Health and Genetics/Laboratory Corporation of America, LabCorp
Classification: Uncertain significance. Last evaluated: 2026-04-14. Review status: criteria provided, single submitter. Criteria: LabCorp Variant Classification Summary - May 2015. Collection method: clinical testing. Allele origin: germline.

Labcorp Genetics (formerly Invitae), Labcorp
Classification: Uncertain significance for Deficiency of alpha-mannosidase. Last evaluated: 2022-06-14. Review status: criteria provided, single submitter. Criteria: Invitae Variant Classification Sherloc (09022015). Collection method: clinical testing. Allele origin: germline.
Comment: This sequence change falls in intron 11 of the MAN2B1 gene. It does not directly change the encoded amino acid sequence of the MAN2B1 protein. It affects a nucleotide within the consensus splice site. This variant is present in population databases (rs540367946, gnomAD 0.01%). This variant has not been reported in the literature in individuals affected with MAN2B1-related conditions. ClinVar contains an entry for this variant (Variation ID: 892388). Variants that disrupt the consensus splice site are a relatively common cause of aberrant splicing (PMID: 17576681, 9536098). Algorithms developed to predict the effect of sequence changes on RNA splicing suggest that this variant is not likely to affect RNA splicing. In summary, the available evidence is currently insufficient to determine the role of this variant in disease. Therefore, it has been classified as a Variant of Uncertain Significance.

Illumina Laboratory Services, Illumina
Classification: Uncertain significance for Deficiency of alpha-mannosidase. Last evaluated: 2018-01-13. Review status: criteria provided, single submitter. Criteria: ICSL Variant Classification Criteria 13 December 2019. Collection method: clinical testing. Allele origin: germline.

Literature cited by the submitters: PubMed 17576681 (cited by Labcorp Genetics (formerly Invitae), Labcorp); PubMed 9536098 (cited by Labcorp Genetics (formerly Invitae), Labcorp).